The following is an entry in ClinVar:

ClinVar aggregate classification (germline): Likely benign. Review status: criteria provided, multiple submitters, no conflicts (2 of 4 stars). 4 submissions from 4 submitters: Likely benign (4). Last evaluated 2025-06-20.

Conditions:
Cardiovascular phenotype. Identifiers: MedGen CN230736.
Arrhythmogenic cardiomyopathy with wooly hair and keratoderma. Also called: PALMOPLANTAR KERATODERMA WITH LEFT VENTRICULAR CARDIOMYOPATHY AND WOOLLY HAIR; Carvajal syndrome; Dilated cardiomyopathy with woolly hair and keratoderma; Arrhythmogenic cardiomyopathy with woolly hair and keratoderma. Identifiers: Orphanet 65282, MedGen C1854063, MONDO:0011581, OMIM 605676.
Arrhythmogenic right ventricular dysplasia 8 (ARVD8). Also called: ARRHYTHMOGENIC RIGHT VENTRICULAR DYSPLASIA, FAMILIAL, 8; Arrhythmogenic Right Ventricular Dysplasia/Cardiomyopathy 8; ARRHYTHMOGENIC RIGHT VENTRICULAR CARDIOMYOPATHY 8. Identifiers: MedGen C1843896, MONDO:0011831, OMIM 607450.
Cardiomyopathy (CMYO). Also called: Cardiomyopathies. Identifiers: Orphanet 167848, MedGen C0878544, MONDO:0004994, HP:0001638. Inheritance: Various modes of inheritance.

Allele frequency attached by ClinVar (database versions not stated): gnomAD exomes below 0.00001.
gnomAD v4.1: 8 of 1,614,156 alleles (0.0005%); highest among the groups gnomAD compares: Non-Finnish European, 0.00059%; no homozygotes.

Submissions (4):

Labcorp Genetics (formerly Invitae), Labcorp
Classification: Likely benign for Arrhythmogenic cardiomyopathy with wooly hair and keratoderma; Arrhythmogenic right ventricular dysplasia 8. Last evaluated: 2025-06-20. Review status: criteria provided, single submitter. Criteria: Invitae Variant Classification Sherloc (09022015). Collection method: clinical testing. Allele origin: germline.

Ambry Genetics
Classification: Likely benign for Cardiovascular phenotype. Last evaluated: 2024-05-19. Review status: criteria provided, single submitter. Criteria: Ambry Variant Classification Scheme 2023. Collection method: clinical testing. Allele origin: germline.

All of Us Research Program, National Institutes of Health
Classification: Likely benign for Arrhythmogenic cardiomyopathy with wooly hair and keratoderma. Last evaluated: 2023-07-22. Review status: criteria provided, single submitter. Criteria: ACMG Guidelines, 2015. Collection method: clinical testing. Allele origin: germline. Inheritance: Autosomal dominant inheritance. Observed: 2 variant alleles, 2 heterozygotes.
Comment: This study involves interpretation of variants in research participants for the purpose of population health screening. Participant phenotype was not available at the time of variant classification. Additional details can be found in publication PMID: 35346344, PMCID: PMC8962531

Color Diagnostics, LLC DBA Color Health
Classification: Likely benign for Cardiomyopathy. Last evaluated: 2019-07-26. Review status: criteria provided, single submitter. Criteria: ACMG Guidelines, 2015. Collection method: clinical testing. Allele origin: germline.

NM_004415.4(DSP):c.1425C>T (p.Ile475=)

Gene: DSP (desmoplakin; plus strand). Cytogenetic location: 6p24.3.
Variant type: single nucleotide variant.
Coding change: c.1425C>T on transcript NM_004415.4 (MANE Select); coding-DNA position 1425, C replaced by T.
Protein change: p.Ile475=; no amino-acid change (isoleucine 475 retained).
Molecular consequence: synonymous variant.
Genome position (GRCh38, 1-based): chr6:7,569,191, C>T. VCF-style: chr6-7569191-C-T. GRCh37 (hg19) VCF-style: chr6-7569424-C-T.
Other names: c.1425C>T, p.Ile475= (NM_001008844.3, NM_001319034.2).
Identifiers: ClinVar variation 928245 (VCV000928245.12), dbSNP rs1329910838, ClinGen allele CA448522728.